The following is an entry in ClinVar:

ClinVar aggregate classification (germline): Likely benign. Review status: criteria provided, multiple submitters, no conflicts (2 of 4 stars). 2 submissions from 2 submitters: Likely benign (2). Last evaluated 2025-02-16.

Conditions:
Leigh syndrome (NULS). Also called: Leigh's necrotizing encephalopathy; Leigh's disease; Leigh Syndrome (mtDNA deletion); Leigh Disease; Subacute necrotizing encephalopathy; Necrotizing encephalopathy infantile subacute of Leigh. Identifiers: Orphanet 506, MedGen C2931891, MONDO:0009723, OMIM 256000.

Submissions (2):

Laboratory of Genetics, Children's Clinical University Hospital Latvia
Classification: Likely benign. Last evaluated: 2025-02-16. Review status: criteria provided, single submitter. Criteria: ACMG Guidelines, 2015. Collection method: clinical testing. Allele origin: germline. Affected: yes.

Wong Mito Lab, Molecular and Human Genetics, Baylor College of Medicine
Classification: Likely benign for Leigh syndrome. Last evaluated: 2019-10-17. Review status: criteria provided, single submitter. Criteria: Modified ACMG Guidelines (Unpublished). Collection method: clinical testing. Allele origin: germline.
Comment: The NC_012920.1:m.9071C>T (YP_003024031.1:p.Ser182Leu) variant in MTATP6 gene is interpretated to be a Likely Benign variant based on the modified ACMG guidelines (unpublished). This variant meets the following evidence codes: BS1, BP4

Literature cited by the submitters: PubMed 23304069 (cited by Wong Mito Lab, Molecular and Human Genetics, Baylor College of Medicine).

NC_012920.1(MT-ATP6):m.9071C>T

Gene: MT-ATP6 (mitochondrially encoded ATP synthase 6; plus strand).
Variant type: single nucleotide variant.
Genome position: chrM-9071-C-T.
Identifiers: ClinVar variation 693075 (VCV000693075.2), dbSNP rs1603222032, ClinGen allele CA414802106.